The following is an entry in ClinVar:

ClinVar aggregate classification (germline): Uncertain significance (1 of 4 stars; one submission).

Submission:

Ambry Genetics
Classification: Uncertain significance. Last evaluated: 2024-09-05. Review status: criteria provided, single submitter. Criteria: Ambry Variant Classification Scheme 2023. Collection method: clinical testing. Allele origin: germline.
Comment: The p.V390I variant (also known as c.1168G>A), located in coding exon 11 of the ILK gene, results from a G to A substitution at nucleotide position 1168. The valine at codon 390 is replaced by isoleucine, an amino acid with highly similar properties. This amino acid position is conserved. In addition, the in silico prediction for this alteration is inconclusive. Based on the available evidence, the clinical significance of this variant remains unclear.

NM_004517.4(ILK):c.1168G>A (p.Val390Ile)

Genes: ILK (integrin linked kinase; plus strand), TAF10 (TATA-box binding protein associated factor 10; minus strand). Cytogenetic location: 11p15.4.
Variant type: single nucleotide variant.
Coding change: c.1168G>A on transcript NM_004517.4 (MANE Select); coding-DNA position 1168, G replaced by A.
Protein change: p.Val390Ile; replaces valine 390 with isoleucine.
Molecular consequence: missense variant. On other transcripts: 3 prime UTR variant (1).
Genome position (GRCh38, 1-based): chr11:6,610,237, G>A. VCF-style: chr11-6610237-G-A. GRCh37 (hg19) VCF-style: chr11-6631468-G-A.
Other names: c.1168G>A, p.Val390Ile (NM_001014794.3, NM_001014795.3); c.985G>A, p.Val329Ile (NM_001278441.2); c.766G>A, p.Val256Ile (NM_001278442.2); c.*685C>T (NM_006284.4); short protein forms V256I, V329I, V390I.
Identifiers: ClinVar variation 3528898 (VCV003528898.1).